The following is an entry in ClinVar:

NM_000089.4(COL1A2):c.541G>A (p.Gly181Arg)

Gene: COL1A2 (collagen type I alpha 2 chain; plus strand). Cytogenetic location: 7q21.3.
Variant type: single nucleotide variant.
Coding change: c.541G>A on transcript NM_000089.4 (MANE Select); coding-DNA position 541, G replaced by A.
Protein change: p.Gly181Arg; replaces glycine 181 with arginine.
Molecular consequence: missense variant.
Genome position (GRCh38, 1-based): chr7:94,406,250, G>A. VCF-style: chr7-94406250-G-A. GRCh37 (hg19) VCF-style: chr7-94035562-G-A.
Other names: short protein forms G181R.
Identifiers: ClinVar variation 848872 (VCV000848872.11), dbSNP rs1791793058, ClinGen allele CA368220003.

ClinVar aggregate classification (germline): Likely pathogenic (1 of 4 stars; one submission).

Conditions:
Osteogenesis imperfecta type I (OI1). Also called: Lobstein's Disease; Classic Non-deforming Osteogenesis Imperfecta with Blue Sclerae; Lobstein disease; OI, TYPE I; OSTEOGENESIS IMPERFECTA TARDA; OSTEOGENESIS IMPERFECTA WITH BLUE SCLERAE. Identifiers: Orphanet 216796, Orphanet 666, MedGen C0023931, MONDO:0008146, OMIM 166200. Disease mechanism: loss of function.
Ehlers-Danlos syndrome, classic type, 1 (EDSCL1). Also called: Ehlers-Danlos syndrome, type 1; Ehlers-Danlos Syndrome, Classic Type, COL5A1-Related; EDS I; EHLERS-DANLOS SYNDROME, GRAVIS TYPE; EHLERS-DANLOS SYNDROME, SEVERE CLASSIC TYPE. Identifiers: MedGen C0268335, MONDO:0019567, OMIM 130000.

Submission:

Labcorp Genetics (formerly Invitae), Labcorp
Classification: Likely pathogenic for Osteogenesis imperfecta type I; Ehlers-Danlos syndrome, classic type, 1. Last evaluated: 2019-04-19. Review status: criteria provided, single submitter. Criteria: Invitae Variant Classification Sherloc (09022015). Collection method: clinical testing. Allele origin: germline.
Comment: This sequence change replaces glycine with arginine at codon 181 of the COL1A2 protein (p.Gly181Arg). The glycine residue is highly conserved and there is a moderate physicochemical difference between glycine and arginine. This variant is not present in population databases (ExAC no frequency). This variant has not been reported in the literature in individuals with COL1A2-related conditions. Glycine residues within the Gly-Xaa-Yaa repeats of the triple helix domain are required for the structure and stability of fibrillar collagens (PMID: 7695699, 8218237, 19344236). In COL1A2, variants affecting these glycine residues are significantly enriched in individuals with disease (PMID: 9016532, 17078022) compared to the general population (ExAC). In summary, the currently available evidence indicates that the variant is pathogenic, but additional data are needed to prove that conclusively. Therefore, this variant has been classified as Likely Pathogenic.

Literature cited by the submitters: PubMed 7695699; PubMed 8218237; PubMed 19344236; PubMed 9016532; PubMed 17078022.